The following is an entry in ClinVar:

ClinVar aggregate classification (germline): Conflicting classifications of pathogenicity. Review status: criteria provided, conflicting classifications (1 of 4 stars). 2 submissions from 2 submitters: Uncertain significance (1); Benign (1). Last evaluated 2024-05-20.

Conditions:
Cataract 6 multiple types. Also called: CATARACT 6, POSTERIOR POLAR; CATARACT 6, CONGENITAL TOTAL; CATARACT, AGE-RELATED CORTICAL, 2. Identifiers: Orphanet 91492, MedGen C1861825, MONDO:0007288, OMIM 116600.

Allele frequency attached by ClinVar (database versions not stated): gnomAD exomes 0.00003; gnomAD 0.00007; TOPMed 0.00010; ExAC 0.00018.
gnomAD v4.1: 57 of 1,612,150 alleles (0.0035%); highest among the groups gnomAD compares: East Asian, 0.098%; 1 homozygote.

Submissions (2):

Labcorp Genetics (formerly Invitae), Labcorp
Classification: Benign for Cataract 6 multiple types. Last evaluated: 2024-05-20. Review status: criteria provided, single submitter. Criteria: Invitae Variant Classification Sherloc (09022015). Collection method: clinical testing. Allele origin: germline.

GeneDx
Classification: Uncertain significance. Last evaluated: 2022-11-04. Review status: criteria provided, single submitter. Criteria: GeneDx Variant Classification Process June 2021. Collection method: clinical testing. Allele origin: germline. Affected: yes.
Comment: In silico analysis supports that this missense variant does not alter protein structure/function; Has not been previously published as pathogenic or benign to our knowledge

NM_004431.5(EPHA2):c.2693C>T (p.Thr898Met)

Gene: EPHA2 (EPH receptor A2; minus strand). Cytogenetic location: 1p36.13.
Variant type: single nucleotide variant.
Coding change: c.2693C>T on transcript NM_004431.5 (MANE Select); coding-DNA position 2693, C replaced by T.
Protein change: p.Thr898Met; replaces threonine 898 with methionine.
Molecular consequence: missense variant.
Genome position (GRCh38, 1-based): chr1:16,129,566, G>A on the plus strand (C>T on the coding strand, the complement: EPHA2 is on the minus strand). VCF-style: chr1-16129566-G-A. GRCh37 (hg19) VCF-style: chr1-16456061-G-A.
Other names: c.2531C>T, p.Thr844Met (NM_001329090.2); short protein forms T844M, T898M.
Identifiers: ClinVar variation 2501614 (VCV002501614.3), dbSNP rs376803353, ClinGen allele CA624750.
Genomic context (GRCh38, chr1:16,129,566, plus strand): 5'-ATCTTGATGGACTCCAGCCACTCGGACACCGTGCGGAAGGGCACCCCCTCCGAGCCGCTC[G>A]TGCTGGGGAGCCGGATAGACACGCTGCAACAGGAAGCACTGCAGGTGAGGGGCTGCAGCA-3'
Protein context (NP_004422.2, residues 888-908): DPRVSIRLPS[Thr898Met]SGSEGVPFRT